The following is an entry in ClinVar:

ClinVar aggregate classification (germline): Likely pathogenic. Review status: criteria provided, multiple submitters, no conflicts (2 of 4 stars). 2 submissions from 2 submitters: Likely pathogenic (2). Last evaluated 2024-10-02.

Conditions:
Cardiovascular phenotype. Identifiers: MedGen CN230736.

Submissions (2):

Ambry Genetics
Classification: Likely pathogenic for Cardiovascular phenotype. Last evaluated: 2024-10-02. Review status: criteria provided, single submitter. Criteria: Ambry Variant Classification Scheme 2023. Collection method: clinical testing. Allele origin: germline.
Comment: The c.40414delA variant, located in coding exon 146 of the TTN gene, results from a deletion of one nucleotide at nucleotide position 40414, causing a translational frameshift with a predicted alternate stop codon (p.I13472Sfs*16). This exon is located in the A-band region of the N2-B isoform of the titin protein and is constitutively expressed in TTN transcripts (percent spliced in or PSI 100%). This variant is considered to be rare based on population cohorts in the Genome Aggregation Database (gnomAD). This alteration is expected to result in loss of function by premature protein truncation or nonsense-mediated mRNA decay. While truncating variants in TTN are present in 1-3% of the general population, truncating variants in the A-band are the most common cause of dilated cardiomyopathy (DCM) (Herman DS et al. N. Engl. J. Med., 2012 Feb;366:619-28; Roberts AM et al. Sci Transl Med, 2015 Jan;7:270ra6). TTN truncating variants encoded in constitutive exons (PSI >90%) have been found to be significantly associated with DCM regardless of their position in titin (Schafer S et al. Nat. Genet., 2017 01;49:46-53). As such, this alteration is classified as likely pathogenic.

Eurofins Ntd Llc (ga)
Classification: Likely pathogenic. Last evaluated: 2017-05-25. Review status: criteria provided, single submitter. Criteria: EGL Classification Definitions 2015. Collection method: clinical testing. Allele origin: germline. Observed: 1 variant allele, 1 heterozygote.

NM_001267550.2(TTN):c.67609del (p.Ile22537fs)

Genes: TTN (titin; minus strand), TTN-AS1 (TTN antisense RNA 1; plus strand), LOC126806423 (CDK7 strongly-dependent group 2 enhancer GRCh37_chr2:179443309-179444508; plus strand). Cytogenetic location: 2q31.2.
Variant type: Deletion.
Coding change: c.67609del on transcript NM_001267550.2 (MANE Select); coding-DNA position 67609, one base deleted (A; older notation c.67609delA).
Protein change: p.Ile22537fs; shifts the reading frame from isoleucine 22537.
Molecular consequence: frameshift variant.
Genome position (GRCh38, 1-based): chr2:178,579,588, T deleted on the plus strand (A on the coding strand, the reverse complement: TTN is on the minus strand); the first of 3 consecutive T bases (chr2:178,579,588-178,579,590); deleting any one gives the same sequence. VCF-style (leftmost placement, unchanged base first): chr2-178579587-AT-A. GRCh37 (hg19) VCF-style: chr2-179444314-AT-A.
Other names: c.62686del, p.Ile20896fs (NM_001256850.1); c.40414del, p.Ile13472fs (NM_003319.4); c.59905del, p.Ile19969fs (NM_133378.4); c.40789del, p.Ile13597fs (NM_133432.3); c.40990del, p.Ile13664fs (NM_133437.4); c.40414delA (NM_003319.4); short protein forms I13597fs, I13664fs, I19969fs, I20896fs, I22537fs, I13472fs.
Identifiers: ClinVar variation 502233 (VCV000502233.9), dbSNP rs1553622205, ClinGen allele CA658796010.
Genomic context (GRCh38, chr2:178,579,587, plus strand): 5'-AAGGAAAAATGAAGATGTGTGCATAGAGCCTTACCAACATCATCCCTTGCCACAACAGTG[AT>A]TTCGCTTGGGGTTCCTTCTCCATTTTCATTCTCAGCACTCACTCTGAAGGTATATTCCTT-3'